The following is an entry in ClinVar:

NM_182961.4(SYNE1):c.10443+8A>G

Gene: SYNE1 (spectrin repeat containing nuclear envelope protein 1; minus strand). Cytogenetic location: 6q25.2.
Variant type: single nucleotide variant.
Coding change: c.10443+8A>G on transcript NM_182961.4 (MANE Select); 8 bases into the intron after coding-DNA position 10443, A replaced by G.
Molecular consequence: intron variant.
Genome position (GRCh38, 1-based): chr6:152,359,307, T>C on the plus strand (A>G on the coding strand, the complement: SYNE1 is on the minus strand). VCF-style: chr6-152359307-T-C. GRCh37 (hg19) VCF-style: chr6-152680442-T-C.
Other names: c.10464+8A>G (NM_033071.5).
Identifiers: ClinVar variation 668374 (VCV000668374.1), dbSNP rs909602004, ClinGen allele CA150207719.

ClinVar aggregate classification (germline): Likely benign (1 of 4 stars; one submission).

Allele frequency attached by ClinVar (database versions not stated): TOPMed 0.00001 and 0.00002; gnomAD 0.00002.
gnomAD v4.1: 4 of 1,613,564 alleles (0.00025%); highest among the groups gnomAD compares: African/African-American, 0.004%; no homozygotes.

Submission:

GeneDx
Classification: Likely benign. Last evaluated: 2018-05-14. Review status: criteria provided, single submitter. Criteria: GeneDx Variant Classification (06012015). Collection method: clinical testing. Allele origin: germline. Affected: yes.
Comment: This variant is considered likely benign or benign based on one or more of the following criteria: it is a conservative change, it occurs at a poorly conserved position in the protein, it is predicted to be benign by multiple in silico algorithms, and/or has population frequency not consistent with disease.